The following is an entry in ClinVar:

ClinVar aggregate classification (germline): Uncertain significance. Review status: criteria provided, multiple submitters, no conflicts (2 of 4 stars). 2 submissions from 2 submitters: Uncertain significance (2). Last evaluated 2026-06-09.

Submissions (2):

Women's Health and Genetics/Laboratory Corporation of America, LabCorp
Classification: Uncertain significance. Last evaluated: 2026-06-09. Review status: criteria provided, single submitter. Criteria: LabCorp Variant Classification Summary - May 2015. Collection method: clinical testing. Allele origin: germline.
Comment: Variant summary: TG c.887G>T (p.Arg296Leu) results in a non-conservative amino acid change in the encoded protein sequence. Algorithms developed to predict the effect of missense changes on protein structure and function all suggest that this variant is likely to be disruptive. Several computational tools predict a significant impact on normal splicing: Three predict the variant weakens a 5' donor site. One predicts the variant no significant impact on splicing. One predicts the variant strengthens a cryptic 3' acceptor site. However, these predictions have yet to be confirmed by functional studies. The variant was absent in 251476 control chromosomes. The available data on variant occurrences in the general population are insufficient to allow any conclusion about variant significance. To our knowledge, no occurrence of c.887G>T in individuals affected with TG-related conditions and no experimental evidence demonstrating its impact on protein function have been reported. ClinVar contains an entry for this variant (Variation ID: 3366346). Based on the evidence outlined above, the variant was classified as uncertain significance.

Blueprint Genetics
Classification: Uncertain significance. Last evaluated: 2023-12-29. Review status: criteria provided, single submitter. Criteria: ACMG Guidelines, 2015. Collection method: clinical testing. Allele origin: germline.

NM_003235.5(TG):c.887G>T (p.Arg296Leu)

Gene: TG (thyroglobulin; plus strand). Cytogenetic location: 8q24.22.
Variant type: single nucleotide variant.
Coding change: c.887G>T on transcript NM_003235.5 (MANE Select); coding-DNA position 887, G replaced by T.
Protein change: p.Arg296Leu; replaces arginine 296 with leucine.
Molecular consequence: missense variant.
Genome position (GRCh38, 1-based): chr8:132,882,610, G>T. VCF-style: chr8-132882610-G-T. GRCh37 (hg19) VCF-style: chr8-133894855-G-T.
Other names: short protein forms R296L.
Identifiers: ClinVar variation 3366346 (VCV003366346.4).
Genomic context (GRCh38, chr8:132,882,610, plus strand): 5'-TGTACCGGATACTGCAGAGACGGTTCCTCGCAGTTCAATCAGTCATCTCTGGCAGATTCC[G>T]ATGTAAGTAATAAACTGCCAACAATGTGCGTGTTTCCATTAGGGGGACGCCTCTTGGGTT-3'
Protein context (NP_003226.4, residues 286-306): AVQSVISGRF[Arg296Leu]CPTKCEVERF